The following is an entry in ClinVar:

ClinVar aggregate classification (germline): Pathogenic. Review status: criteria provided, single submitter (1 of 4 stars). 2 submissions from 2 submitters: Pathogenic (1). 1 of the submissions does not count toward it. Last evaluated 2022-11-23.

Conditions:
Junctional epidermolysis bullosa gravis of Herlitz. Also called: EPIDERMOLYSIS BULLOSA JUNCTIONALIS, HERLITZ TYPE; EPIDERMOLYSIS BULLOSA, JUNCTIONAL, HERLITZ-PEARSON TYPE; EPIDERMOLYSIS BULLOSA, JUNCTIONAL 1B, SEVERE; Herlitz-type junctional epidermolysis bullosa; JEB-HERLITZ TYPE; Epidermolysis Bullosa Letalis. Identifiers: Orphanet 79404, MedGen C0079683, MONDO:0009182, OMIM 226700.

Submissions (2):

Labcorp Genetics (formerly Invitae), Labcorp
Classification: Pathogenic. Last evaluated: 2022-11-23. Review status: criteria provided, single submitter. Criteria: Invitae Variant Classification Sherloc (09022015). Collection method: clinical testing. Allele origin: germline.
Comment: This sequence change creates a premature translational stop signal (p.Gln936*) in the LAMB3 gene. It is expected to result in an absent or disrupted protein product. Loss-of-function variants in LAMB3 are known to be pathogenic (PMID: 11023379, 16473856). This variant is not present in population databases (gnomAD no frequency). This premature translational stop signal has been observed in individual(s) with autosomal recessive junctional epidermolysis bullosa (PMID: 9579554). For these reasons, this variant has been classified as Pathogenic.

OMIM
Classification: Pathogenic for EPIDERMOLYSIS BULLOSA, JUNCTIONAL 1B, SEVERE. Last evaluated: 1998-05-01. Review status: no assertion criteria provided. Collection method: literature only. Allele origin: germline. Not counted in ClinVar's aggregate classification.

Literature cited by the submitters: PubMed 11023379 (cited by Labcorp Genetics (formerly Invitae), Labcorp); PubMed 16473856 (cited by Labcorp Genetics (formerly Invitae), Labcorp); PubMed 9579554 (cited by Labcorp Genetics (formerly Invitae), Labcorp and OMIM); PubMed 8362910 (cited by OMIM); PubMed 8541876 (cited by OMIM); PubMed 8755931 (cited by OMIM).

NM_000228.3(LAMB3):c.2806C>T (p.Gln936Ter)

Gene: LAMB3 (laminin subunit beta 3; minus strand). Cytogenetic location: 1q32.2.
Variant type: single nucleotide variant.
Coding change: c.2806C>T on transcript NM_000228.3 (MANE Select); coding-DNA position 2806, C replaced by T.
Protein change: p.Gln936Ter; replaces glutamine 936 with a stop codon.
Molecular consequence: nonsense.
Genome position (GRCh38, 1-based): chr1:209,618,555, G>A on the plus strand (C>T on the coding strand, the complement: LAMB3 is on the minus strand). VCF-style: chr1-209618555-G-A. GRCh37 (hg19) VCF-style: chr1-209791900-G-A.
Other names: c.2806C>T, p.Gln936Ter (NM_001017402.2, NM_001127641.1); short protein forms Q936*.
Identifiers: ClinVar variation 14546 (VCV000014546.5), dbSNP rs121912485, ClinGen allele CA257280.